The following is an entry in ClinVar:

ClinVar aggregate classification (germline): Uncertain significance (1 of 4 stars; one submission).

Conditions:
Bifunctional peroxisomal enzyme deficiency (DBIF). Also called: D-bifunctional protein deficiency; DBP DEFICIENCY; PBFE DEFICIENCY. Identifiers: Orphanet 300, MedGen C0342870, MONDO:0009855, OMIM 261515. Disease mechanism: loss of function.
Perrault syndrome. Also called: Gonadal dysgenesis with auditory dysfunction, autosomal recessive inheritance. Identifiers: Orphanet 2855, MedGen C0685838, MONDO:0017312.

Allele frequency attached by ClinVar (database versions not stated): gnomAD exomes below 0.00001.

Submission:

Labcorp Genetics (formerly Invitae), Labcorp
Classification: Uncertain significance for Perrault syndrome; Bifunctional peroxisomal enzyme deficiency. Last evaluated: 2025-04-14. Review status: criteria provided, single submitter. Criteria: Invitae Variant Classification Sherloc (09022015). Collection method: clinical testing. Allele origin: germline.
Comment: This sequence change replaces methionine, which is neutral and non-polar, with valine, which is neutral and non-polar, at codon 148 of the HSD17B4 protein (p.Met148Val). This variant is not present in population databases (gnomAD no frequency). This variant has not been reported in the literature in individuals affected with HSD17B4-related conditions. ClinVar contains an entry for this variant (Variation ID: 1364464). Invitae Evidence Modeling of protein sequence and biophysical properties (such as structural, functional, and spatial information, amino acid conservation, physicochemical variation, residue mobility, and thermodynamic stability) has been performed for this missense variant. However, the output from this modeling did not meet the statistical confidence thresholds required to predict the impact of this variant on HSD17B4 protein function. In summary, the available evidence is currently insufficient to determine the role of this variant in disease. Therefore, it has been classified as a Variant of Uncertain Significance.

NM_000414.4(HSD17B4):c.442A>G (p.Met148Val)

Gene: HSD17B4 (hydroxysteroid 17-beta dehydrogenase 4; plus strand). Cytogenetic location: 5q23.1.
Variant type: single nucleotide variant.
Coding change: c.442A>G on transcript NM_000414.4 (MANE Select); coding-DNA position 442, A replaced by G.
Protein change: p.Met148Val; replaces methionine 148 with valine.
Molecular consequence: missense variant. On other transcripts: initiator codon variant (1), non-coding transcript variant (2).
Genome position (GRCh38, 1-based): chr5:119,478,841, A>G. VCF-style: chr5-119478841-A-G. GRCh37 (hg19) VCF-style: chr5-118814536-A-G.
Other names: c.517A>G, p.Met173Val (NM_001199291.3); c.388A>G, p.Met130Val (NM_001199292.2); c.370A>G, p.Met124Val (NM_001292027.2); c.22A>G, p.Met8Val (NM_001292028.2); c.433A>G, p.Met145Val (NM_001374497.1); c.442A>G, p.Met148Val (NM_001374498.1); c.115A>G, p.Met39Val (NM_001374499.1); c.1A>G, p.Met1Val (NM_001374500.1); and 1 more; short protein forms M148V, M11V, M1V, M124V, M145V, M8V, M130V, M173V.
Identifiers: ClinVar variation 1364464 (VCV001364464.8), dbSNP rs765174171, ClinGen allele CA125861912.